The following is an entry in ClinVar:

ClinVar aggregate classification (germline): Pathogenic/Likely pathogenic. Review status: criteria provided, multiple submitters, no conflicts (2 of 4 stars). 3 submissions from 3 submitters: Pathogenic (1); Likely pathogenic (1). 1 of the submissions does not count toward it. Last evaluated 2025-08-18.

Conditions:
Pseudoachondroplastic spondyloepiphyseal dysplasia syndrome (PSACH). Also called: PSEUDOACHONDROPLASTIC DYSPLASIA; Pseudoachondroplasia; COMP-Related Pseudoachondroplasia. Identifiers: Orphanet 750, MedGen C0410538, MONDO:0008322, OMIM 177170.

Submissions (3):

Labcorp Genetics (formerly Invitae), Labcorp
Classification: Pathogenic. Last evaluated: 2025-08-18. Review status: criteria provided, single submitter. Criteria: Invitae Variant Classification Sherloc (09022015). Collection method: clinical testing. Allele origin: germline.
Comment: This sequence change replaces glycine, which is neutral and non-polar, with serine, which is neutral and polar, at codon 719 of the COMP protein (p.Gly719Ser). This variant is not present in population databases (gnomAD no frequency). This missense change has been observed in individuals with clinical features of pseudoachondroplasia (PMID: 15756302, 21922596; internal data). ClinVar contains an entry for this variant (Variation ID: 40997). Invitae Evidence Modeling of protein sequence and biophysical properties (such as structural, functional, and spatial information, amino acid conservation, physicochemical variation, residue mobility, and thermodynamic stability) indicates that this missense variant is expected to disrupt COMP protein function with a positive predictive value of 80%. This variant disrupts the p.Gly719 amino acid residue in COMP. Other variant(s) that disrupt this residue have been determined to be pathogenic (PMID: 11746044, 17394206). This suggests that this residue is clinically significant, and that variants that disrupt this residue are likely to be disease-causing. For these reasons, this variant has been classified as Pathogenic.

GeneDx
Classification: Likely pathogenic. Last evaluated: 2023-07-18. Review status: criteria provided, single submitter. Criteria: GeneDx Variant Classification Process June 2021. Collection method: clinical testing. Allele origin: germline. Affected: yes.
Comment: Not observed in large population cohorts (gnomAD); In silico analysis supports that this missense variant has a deleterious effect on protein structure/function; This variant is associated with the following publications: (PMID: 25525159, 21922596, 15756302)

GeneReviews
No classification provided. Condition: Pseudoachondroplastic spondyloepiphyseal dysplasia syndrome. Review status: no classification provided. Collection method: literature only. Allele origin: germline. Not counted in ClinVar's aggregate classification.

Literature cited by the submitters: PubMed 15756302 (cited by Labcorp Genetics (formerly Invitae), Labcorp); PubMed 21922596 (cited by Labcorp Genetics (formerly Invitae), Labcorp); PubMed 11746044 (cited by Labcorp Genetics (formerly Invitae), Labcorp); PubMed 17394206 (cited by Labcorp Genetics (formerly Invitae), Labcorp).

NM_000095.3(COMP):c.2155G>A (p.Gly719Ser)

Gene: COMP (cartilage oligomeric matrix protein; minus strand). Cytogenetic location: 19p13.11.
Variant type: single nucleotide variant.
Coding change: c.2155G>A on transcript NM_000095.3 (MANE Select); coding-DNA position 2155, G replaced by A.
Protein change: p.Gly719Ser; replaces glycine 719 with serine.
Molecular consequence: missense variant.
Genome position (GRCh38, 1-based): chr19:18,783,126, C>T on the plus strand (G>A on the coding strand, the complement: COMP is on the minus strand). VCF-style: chr19-18783126-C-T. GRCh37 (hg19) VCF-style: chr19-18893936-C-T.
Other names: short protein forms G719S.
Identifiers: ClinVar variation 40997 (VCV000040997.13), dbSNP rs312262904, ClinGen allele CA343864.